The following is an entry in ClinVar:

ClinVar aggregate classification (germline): Uncertain significance. Review status: criteria provided, multiple submitters, no conflicts (2 of 4 stars). 2 submissions from 2 submitters: Uncertain significance (2). Last evaluated 2024-12-31.

Conditions:
Dilated cardiomyopathy 1CC (CMD1CC). Identifiers: Orphanet 154, MedGen C2751084, MONDO:0013147, OMIM 613122.
Hypertrophic cardiomyopathy 20. Identifiers: MedGen C3151267, MONDO:0013477, OMIM 613876.
Cardiovascular phenotype. Identifiers: MedGen CN230736.

Allele frequency attached by ClinVar (database versions not stated): gnomAD exomes 0.00001; ExAC 0.00002; gnomAD 0.00002; TOPMed 0.00002.
gnomAD v4.1: 21 of 1,613,218 alleles (0.0013%); highest among the groups gnomAD compares: South Asian, 0.0011%; no homozygotes.

Submissions (2):

Ambry Genetics
Classification: Uncertain significance for Cardiovascular phenotype. Last evaluated: 2024-12-31. Review status: criteria provided, single submitter. Criteria: Ambry Variant Classification Scheme 2023. Collection method: clinical testing. Allele origin: germline.
Comment: The p.E83K variant (also known as c.247G>A), located in coding exon 3 of the NEXN gene, results from a G to A substitution at nucleotide position 247. The glutamic acid at codon 83 is replaced by lysine, an amino acid with similar properties. This amino acid position is conserved. In addition, the in silico prediction for this alteration is inconclusive. Since supporting evidence is limited at this time, the clinical significance of this alteration remains unclear.

Labcorp Genetics (formerly Invitae), Labcorp
Classification: Uncertain significance for Dilated cardiomyopathy 1CC; Hypertrophic cardiomyopathy 20. Last evaluated: 2022-08-05. Review status: criteria provided, single submitter. Criteria: Invitae Variant Classification Sherloc (09022015). Collection method: clinical testing. Allele origin: germline.
Comment: In summary, the available evidence is currently insufficient to determine the role of this variant in disease. Therefore, it has been classified as a Variant of Uncertain Significance. Algorithms developed to predict the effect of missense changes on protein structure and function are either unavailable or do not agree on the potential impact of this missense change (SIFT: "Deleterious"; PolyPhen-2: "Possibly Damaging"; Align-GVGD: "Class C15"). This variant has not been reported in the literature in individuals affected with NEXN-related conditions. This variant is present in population databases (rs754112822, gnomAD 0.04%). This sequence change replaces glutamic acid, which is acidic and polar, with lysine, which is basic and polar, at codon 83 of the NEXN protein (p.Glu83Lys).

NM_144573.4(NEXN):c.247G>A (p.Glu83Lys)

Gene: NEXN (nexilin F-actin binding protein; plus strand). Cytogenetic location: 1p31.1.
Variant type: single nucleotide variant.
Coding change: c.247G>A on transcript NM_144573.4 (MANE Select); coding-DNA position 247, G replaced by A.
Protein change: p.Glu83Lys; replaces glutamic acid 83 with lysine.
Molecular consequence: missense variant.
Genome position (GRCh38, 1-based): chr1:77,917,987, G>A. VCF-style: chr1-77917987-G-A. GRCh37 (hg19) VCF-style: chr1-78383672-G-A.
Other names: c.55G>A, p.Glu19Lys (NM_001172309.2); short protein forms E83K, E19K.
Identifiers: ClinVar variation 1791895 (VCV001791895.8), dbSNP rs754112822, ClinGen allele CA918599.